The following is an entry in ClinVar:

NM_004706.4(ARHGEF1):c.1452G>C (p.Glu484Asp)

Gene: ARHGEF1 (Rho guanine nucleotide exchange factor 1; plus strand). Cytogenetic location: 19q13.2.
Variant type: single nucleotide variant.
Coding change: c.1452G>C on transcript NM_004706.4 (MANE Select); coding-DNA position 1452, G replaced by C.
Protein change: p.Glu484Asp; replaces glutamic acid 484 with aspartic acid.
Molecular consequence: missense variant. On other transcripts: non-coding transcript variant (2).
Genome position (GRCh38, 1-based): chr19:41,902,311, G>C. VCF-style: chr19-41902311-G-C. GRCh37 (hg19) VCF-style: chr19-42406461-G-C.
Other names: c.1353G>C, p.Glu451Asp (NM_001396002.1, NM_001396004.1, NM_198977.2); c.1452G>C, p.Glu484Asp (NM_001396003.1, NM_001396006.1); c.1497G>C, p.Glu499Asp (NM_199002.2); c.1620G>C, p.Glu540Asp (NM_001396000.1); short protein forms E484D, E451D, E499D, E540D.
Identifiers: ClinVar variation 4773782 (VCV004773782.1).

ClinVar aggregate classification (germline): Uncertain significance (1 of 4 stars; one submission).

gnomAD v4.1: 1 of 1,614,164 alleles (0.000062%); highest among the groups gnomAD compares: Non-Finnish European, 0.000085%; no homozygotes.

Submission:

Labcorp Genetics (formerly Invitae), Labcorp
Classification: Uncertain significance. Last evaluated: 2025-10-21. Review status: criteria provided, single submitter. Criteria: Invitae Variant Classification Sherloc (09022015). Collection method: clinical testing. Allele origin: germline.
Comment: This sequence change replaces glutamic acid, which is acidic and polar, with aspartic acid, which is acidic and polar, at codon 499 of the ARHGEF1 protein (p.Glu499Asp). This variant is not present in population databases (gnomAD no frequency). This variant has not been reported in the literature in individuals affected with ARHGEF1-related conditions. An algorithm developed to predict the effect of missense changes on protein structure and function outputs the following: PolyPhen-2: "Benign". The aspartic acid amino acid residue is found in multiple mammalian species, which suggests that this missense change does not adversely affect protein function. In summary, the available evidence is currently insufficient to determine the role of this variant in disease. Therefore, it has been classified as a Variant of Uncertain Significance.